The following is an entry in ClinVar:

ClinVar aggregate classification (germline): Uncertain significance (1 of 4 stars; one submission).

Allele frequency attached by ClinVar (database versions not stated): gnomAD exomes below 0.00001; TOPMed below 0.00001; ExAC 0.00001.
gnomAD v4.1: 2 of 1,611,786 alleles (0.00012%); highest among the groups gnomAD compares: African/African-American, 0.0013%; no homozygotes.

Submission:

Labcorp Genetics (formerly Invitae), Labcorp
Classification: Uncertain significance. Last evaluated: 2025-06-06. Review status: criteria provided, single submitter. Criteria: Invitae Variant Classification Sherloc (09022015). Collection method: clinical testing. Allele origin: germline.
Comment: This sequence change replaces methionine, which is neutral and non-polar, with valine, which is neutral and non-polar, at codon 548 of the LZTR1 protein (p.Met548Val). This variant is present in population databases (rs768130687, gnomAD 0.007%). This variant has not been reported in the literature in individuals affected with LZTR1-related conditions. ClinVar contains an entry for this variant (Variation ID: 2917487). Invitae Evidence Modeling of protein sequence and biophysical properties (such as structural, functional, and spatial information, amino acid conservation, physicochemical variation, residue mobility, and thermodynamic stability) indicates that this missense variant is not expected to disrupt LZTR1 protein function with a negative predictive value of 80%. In summary, the available evidence is currently insufficient to determine the role of this variant in disease. Therefore, it has been classified as a Variant of Uncertain Significance.

NM_006767.4(LZTR1):c.1642A>G (p.Met548Val)

Gene: LZTR1 (leucine zipper like post translational regulator 1; plus strand). Cytogenetic location: 22q11.21.
Variant type: single nucleotide variant.
Coding change: c.1642A>G on transcript NM_006767.4 (MANE Select); coding-DNA position 1642, A replaced by G.
Protein change: p.Met548Val; replaces methionine 548 with valine.
Molecular consequence: missense variant.
Genome position (GRCh38, 1-based): chr22:20,994,584, A>G. VCF-style: chr22-20994584-A-G. GRCh37 (hg19) VCF-style: chr22-21348873-A-G.
Other names: short protein forms M548V.
Identifiers: ClinVar variation 2917487 (VCV002917487.3), dbSNP rs768130687, ClinGen allele CA10119013.